The following is an entry in ClinVar:

ClinVar aggregate classification (germline): Uncertain significance (1 of 4 stars; one submission).

gnomAD v4.1: 7 of 1,614,138 alleles (0.00043%); highest among the groups gnomAD compares: South Asian, 0.0066%; no homozygotes.

Submission:

Labcorp Genetics (formerly Invitae), Labcorp
Classification: Uncertain significance. Last evaluated: 2025-02-25. Review status: criteria provided, single submitter. Criteria: Invitae Variant Classification Sherloc (09022015). Collection method: clinical testing. Allele origin: germline.
Comment: This sequence change replaces serine, which is neutral and polar, with cysteine, which is neutral and slightly polar, at codon 387 of the EFL1 protein (p.Ser387Cys). This variant is present in population databases (rs761803659, gnomAD 0.02%). This variant has not been reported in the literature in individuals affected with EFL1-related conditions. Invitae Evidence Modeling of protein sequence and biophysical properties (such as structural, functional, and spatial information, amino acid conservation, physicochemical variation, residue mobility, and thermodynamic stability) indicates that this missense variant is not expected to disrupt EFL1 protein function with a negative predictive value of 80%. In summary, the available evidence is currently insufficient to determine the role of this variant in disease. Therefore, it has been classified as a Variant of Uncertain Significance.

NM_024580.6(EFL1):c.1160C>G (p.Ser387Cys)

Gene: EFL1 (elongation factor like GTPase 1; minus strand). Cytogenetic location: 15q25.2.
Variant type: single nucleotide variant.
Coding change: c.1160C>G on transcript NM_024580.6 (MANE Select); coding-DNA position 1160, C replaced by G.
Protein change: p.Ser387Cys; replaces serine 387 with cysteine.
Molecular consequence: missense variant. On other transcripts: non-coding transcript variant (1).
Genome position (GRCh38, 1-based): chr15:82,227,482, G>C on the plus strand (C>G on the coding strand, the complement: EFL1 is on the minus strand). VCF-style: chr15-82227482-G-C. GRCh37 (hg19) VCF-style: chr15-82519823-G-C.
Other names: c.1007C>G, p.Ser336Cys (NM_001040610.3); c.371C>G, p.Ser124Cys (NM_001322844.2); c.1160C>G, p.Ser387Cys (NM_001322845.2); short protein forms S124C, S336C, S387C.
Identifiers: ClinVar variation 4766861 (VCV004766861.1).